The following is an entry in ClinVar:

NM_001042492.3(NF1):c.1661dup (p.Leu555fs)

Gene: NF1 (neurofibromin 1; plus strand). Cytogenetic location: 17q11.2.
Variant type: Duplication.
Coding change: c.1661dup on transcript NM_001042492.3 (MANE Select); coding-DNA position 1661, one base duplicated (A; older notation c.1661dupA).
Protein change: p.Leu555fs; shifts the reading frame from leucine 555.
Molecular consequence: frameshift variant.
Genome position (GRCh38, 1-based): chr17:31,221,869, A duplicated. VCF-style (leftmost placement, unchanged base first): chr17-31221868-C-CA. GRCh37 (hg19) VCF-style: chr17-29548886-C-CA.
Other names: c.1661dup, p.Leu555fs (NM_000267.4, NM_001128147.3); short protein forms L555fs.
Identifiers: ClinVar variation 4851878 (VCV004851878.1).

ClinVar aggregate classification (germline): Likely pathogenic (1 of 4 stars; one submission).

Submission:

Dasa
Classification: Likely pathogenic. Last evaluated: 2026-04-18. Review status: criteria provided, single submitter. Criteria: DASA Assertion Criteria. Collection method: clinical testing. Allele origin: germline.
Comment: NM_001042492.3(NF1):c.1661dup (p.Leu555Valfs*3) introduces a premature termination codon predicted to result in loss of normal protein function. Loss-of-function is an established mechanism of disease for this gene. The variant is present at low frequency in population datasets. Based on the available data, this variant is classified as likely pathogenic.